The following is an entry in ClinVar:

NM_001378452.1(ITPR1):c.1152-10del

Gene: ITPR1 (inositol 1,4,5-trisphosphate receptor type 1; plus strand). Cytogenetic location: 3p26.1.
Variant type: Deletion.
Coding change: c.1152-10del on transcript NM_001378452.1 (MANE Select); 10 bases into the intron before coding-DNA position 1152, one base deleted (T; older notation c.1152-10delT).
Molecular consequence: intron variant.
Genome position (GRCh38, 1-based): chr3:4,660,978, T deleted; the last of 6 consecutive T bases (chr3:4,660,973-4,660,978); deleting any one gives the same sequence. VCF-style (leftmost placement, unchanged base first): chr3-4660972-CT-C. GRCh37 (hg19) VCF-style: chr3-4702656-CT-C.
Other names: c.1152-10del (NM_001099952.4); c.1107-10del (NM_001168272.2, NM_002222.7).
Identifiers: ClinVar variation 3029057 (VCV003029057.2), dbSNP rs768199360, ClinGen allele CA2664215050.

ClinVar aggregate classification (germline): Likely benign (0 of 4 stars; one submission).

Conditions:
ITPR1-related disorder. Also called: ITPR1-related condition.

Submission:

PreventionGenetics, part of Exact Sciences
Classification: Likely benign for ITPR1-related condition. Last evaluated: 2021-07-27. Review status: no assertion criteria provided. Collection method: clinical testing. Allele origin: germline.
Comment: This variant is classified as likely benign based on ACMG/AMP sequence variant interpretation guidelines (Richards et al. 2015 PMID: 25741868, with internal and published modifications).